The following is an entry in ClinVar:

ClinVar aggregate classification (germline): Uncertain significance. Review status: criteria provided, multiple submitters, no conflicts (2 of 4 stars). 2 submissions from 2 submitters: Uncertain significance (2). Last evaluated 2024-08-07.

gnomAD v4.1: 1 of 1,613,986 alleles (0.000062%); highest among the groups gnomAD compares: Non-Finnish European, 0.000085%; no homozygotes.

Submissions (2):

GeneDx
Classification: Uncertain significance. Last evaluated: 2024-08-07. Review status: criteria provided, single submitter. Criteria: GeneDx Variant Classification Process June 2021. Collection method: clinical testing. Allele origin: germline. Affected: yes.
Comment: Not observed at significant frequency in large population cohorts (gnomAD); In silico analysis supports that this missense variant has a deleterious effect on protein structure/function; Has not been previously published as pathogenic or benign to our knowledge

Blueprint Genetics
Classification: Uncertain significance. Last evaluated: 2020-10-26. Review status: criteria provided, single submitter. Criteria: ACMG Guidelines, 2015. Collection method: clinical testing. Allele origin: germline.

NM_012062.5(DNM1L):c.109G>A (p.Gly37Arg)

Gene: DNM1L (dynamin 1L; plus strand). Cytogenetic location: 12p11.21.
Variant type: single nucleotide variant.
Coding change: c.109G>A on transcript NM_012062.5 (MANE Select); coding-DNA position 109, G replaced by A.
Protein change: p.Gly37Arg; replaces glycine 37 with arginine.
Molecular consequence: missense variant. On other transcripts: 5 prime UTR variant (1).
Genome position (GRCh38, 1-based): chr12:32,701,421, G>A. VCF-style: chr12-32701421-G-A. GRCh37 (hg19) VCF-style: chr12-32854355-G-A.
Other names: c.109G>A, p.Gly37Arg (NM_001278463.2, NM_001278464.2, NM_001278465.2 and 3 more transcripts); c.-97G>A (NM_001278466.2); short protein forms G37R.
Identifiers: ClinVar variation 3602998 (VCV003602998.2).